The following is an entry in ClinVar:

NM_001369.3(DNAH5):c.2053-18_2064del

Genes: DNAH5 (dynein axonemal heavy chain 5; minus strand), DNAH5-AS1 (DNAH5 antisense RNA 1; plus strand). Cytogenetic location: 5p15.2.
Variant type: Deletion.
Coding change: c.2053-18_2064del on transcript NM_001369.3 (MANE Select); 18 bases into the intron before coding-DNA position 2053 through coding-DNA position 2064, 30 bases deleted (GTTGGTTTCTTCCCACAGATTGAAGAAATT).
Molecular consequence: splice acceptor variant.
Genome position (GRCh38, 1-based): chr5:13,900,401-13,900,430, AATTTCTTCAATCTGTGGGAAGAAACCAAC deleted on the plus strand (GTTGGTTTCTTCCCACAGATTGAAGAAATT on the coding strand, the reverse complement: DNAH5 is on the minus strand); deleting any 30 consecutive bases within chr5:13,900,401-13,900,431 gives the same sequence; the c. name uses the placement nearest the transcript's 3' end. VCF-style (leftmost placement, unchanged base first): chr5-13900400-GAATTTCTTCAATCTGTGGGAAGAAACCAAC-G. GRCh37 (hg19) VCF-style: chr5-13900509-GAATTTCTTCAATCTGTGGGAAGAAACCAAC-G.
Identifiers: ClinVar variation 954624 (VCV000954624.8), dbSNP rs1774445982, ClinGen allele CA1139658749.

ClinVar aggregate classification (germline): Pathogenic (1 of 4 stars; one submission).

Conditions:
Primary ciliary dyskinesia. Also called: Ciliary dyskinesia. Identifiers: Orphanet 244, MedGen C0008780, MONDO:0016575, HP:0012265.

Submission:

Labcorp Genetics (formerly Invitae), Labcorp
Classification: Pathogenic for Primary ciliary dyskinesia. Last evaluated: 2024-12-03. Review status: criteria provided, single submitter. Criteria: Invitae Variant Classification Sherloc (09022015). Collection method: clinical testing. Allele origin: germline.
Comment: This variant results in the deletion of part of exon 15 (c.2053-18_2064del) of the DNAH5 gene. It is expected to disrupt RNA splicing. Variants that disrupt the donor or acceptor splice site typically lead to a loss of protein function (PMID: 16199547), and loss-of-function variants in DNAH5 are known to be pathogenic (PMID: 11788826, 16627867). This variant is not present in population databases (gnomAD no frequency). This variant has been observed in individual(s) with clinical features of DNAH5-related conditions (internal data). ClinVar contains an entry for this variant (Variation ID: 954624). For these reasons, this variant has been classified as Pathogenic.

Literature cited by the submitters: PubMed 16199547; PubMed 11788826; PubMed 16627867.